The following is an entry in ClinVar:

NM_001375567.1(FOCAD):c.4729-19_4729-5dup

Gene: FOCAD (focadhesin; plus strand). Cytogenetic location: 9p21.3.
Variant type: Duplication.
Coding change: c.4729-19_4729-5dup on transcript NM_001375567.1 (MANE Select); 19 bases into the intron before coding-DNA position 4729 through 5 bases into the intron before coding-DNA position 4729, 15 bases duplicated (TTTTTTTTTTTTTTT).
Molecular consequence: intron variant.
Genome position (GRCh38, 1-based): chr9:20,986,269-20,986,283, TTTTTTTTTTTTTTT duplicated; duplicating any 15 consecutive bases within chr9:20,986,267-20,986,283 gives the same sequence; the c. name uses the placement nearest the transcript's 3' end. VCF-style (leftmost placement, unchanged base first): chr9-20986266-A-ATTTTTTTTTTTTTTT. GRCh37 (hg19) VCF-style: chr9-20986265-A-ATTTTTTTTTTTTTTT.
Other names: c.4729-19_4729-5dup (NM_017794.5); c.4624-19_4624-5dup (NM_001375568.1, NM_001375570.1).
Identifiers: ClinVar variation 3052741 (VCV003052741.2), dbSNP rs545976303, ClinGen allele CA862073110.
Genomic context (GRCh38, chr9:20,986,266, plus strand): 5'-TGTTTTGCCCTTGCCCTGAAATTCTGTAGCTACTTCAGTTAATTTAATAGTAACTAAACA[A>ATTTTTTTTTTTTTTT]TTTTTTTTTTTTTTTTTGCAGAGCAACATAGAAAAAGCTGCCTTTGTCAAACTGTACTTA-3'

ClinVar aggregate classification (germline): Likely benign (0 of 4 stars; one submission).

Conditions:
FOCAD-related disorder. Also called: FOCAD-related condition.

Submission:

PreventionGenetics, part of Exact Sciences
Classification: Likely benign for FOCAD-related condition. Last evaluated: 2019-09-17. Review status: no assertion criteria provided. Collection method: clinical testing. Allele origin: germline.
Comment: This variant is classified as likely benign based on ACMG/AMP sequence variant interpretation guidelines (Richards et al. 2015 PMID: 25741868, with internal and published modifications).